The following is an entry in ClinVar:

NM_000531.6(OTC):c.754G>C (p.Glu252Gln)

Gene: OTC (ornithine transcarbamylase; plus strand). Cytogenetic location: Xp11.4.
Variant type: single nucleotide variant.
Coding change: c.754G>C on transcript NM_000531.6 (MANE Select); coding-DNA position 754, G replaced by C.
Protein change: p.Glu252Gln; replaces glutamic acid 252 with glutamine.
Molecular consequence: missense variant.
Genome position (GRCh38, 1-based): chrX:38,408,912, G>C. VCF-style: chrX-38408912-G-C. GRCh37 (hg19) VCF-style: chrX-38268165-G-C.
Other names: c.754G>C, p.Glu252Gln (NM_001407092.1); short protein forms E252Q.
Identifiers: ClinVar variation 3383474 (VCV003383474.1).

ClinVar aggregate classification (germline): Uncertain significance (1 of 4 stars; one submission).

gnomAD v4.1: 4 of 1,205,696 alleles (0.00033%); highest among the groups gnomAD compares: South Asian, 0.007%; no homozygotes.

Submission:

GeneDx
Classification: Uncertain significance. Last evaluated: 2024-05-28. Review status: criteria provided, single submitter. Criteria: GeneDx Variant Classification Process June 2021. Collection method: clinical testing. Allele origin: germline. Affected: yes.
Comment: In silico analysis supports that this missense variant has a deleterious effect on protein structure/function; Has not been previously published as pathogenic or benign to our knowledge